The following is an entry in ClinVar:

ClinVar aggregate classification (germline): Uncertain significance (1 of 4 stars; one submission).

gnomAD v4.1: 362 of 1,614,078 alleles (0.022%); highest among the groups gnomAD compares: Non-Finnish European, 0.028%; no homozygotes.

Submission:

GeneDx
Classification: Uncertain significance. Last evaluated: 2023-11-28. Review status: criteria provided, single submitter. Criteria: GeneDx Variant Classification Process June 2021. Collection method: clinical testing. Allele origin: germline. Affected: yes.
Comment: Has not been previously published as pathogenic or benign to our knowledge; In silico analysis supports that this missense variant does not alter protein structure/function

NM_014865.4(NCAPD2):c.3635A>C (p.Gln1212Pro)

Gene: NCAPD2 (non-SMC condensin I complex subunit D2; plus strand). Cytogenetic location: 12p13.31.
Variant type: single nucleotide variant.
Coding change: c.3635A>C on transcript NM_014865.4 (MANE Select); coding-DNA position 3635, A replaced by C.
Protein change: p.Gln1212Pro; replaces glutamine 1212 with proline.
Molecular consequence: missense variant.
Genome position (GRCh38, 1-based): chr12:6,529,575, A>C. VCF-style: chr12-6529575-A-C. GRCh37 (hg19) VCF-style: chr12-6638741-A-C.
Other names: short protein forms Q1212P.
Identifiers: ClinVar variation 3364752 (VCV003364752.1).
Genomic context (GRCh38, chr12:6,529,575, plus strand): 5'-AGCTCCTCTCCTACATCACCAAGGACAAGCAGACAGAGAGCCTGGTGGAAAAGCTGTGTC[A>C]GCGGTTCCGCACATCCCGGTATGCTGCCCTCCCTGAGGGTTCTTTGTGCTGAGCGGGGCC-3'
Protein context (NP_055680.3, residues 1202-1222): QTESLVEKLC[Gln1212Pro]RFRTSRTERQ